The following is an entry in ClinVar:

ClinVar aggregate classification (germline): Likely benign (1 of 4 stars; one submission).

Allele frequency attached by ClinVar (database versions not stated): ExAC 0.00001; gnomAD 0.00001; gnomAD exomes 0.00002; TOPMed 0.00002.

Submission:

CeGaT Center for Human Genetics Tuebingen
Classification: Likely benign. Last evaluated: 2022-08-01. Review status: criteria provided, single submitter. Criteria: CeGaT Center For Human Genetics Tuebingen Variant Classification Criteria Version 2. Collection method: clinical testing. Allele origin: germline. Affected: yes. Observed: 1 variant allele.
Comment: ASPM: BP4, BP7

NM_018136.5(ASPM):c.7683A>G (p.Gln2561=)

Gene: ASPM (assembly factor for spindle microtubules; minus strand). Cytogenetic location: 1q31.3.
Variant type: single nucleotide variant.
Coding change: c.7683A>G on transcript NM_018136.5 (MANE Select); coding-DNA position 7683, A replaced by G.
Protein change: p.Gln2561=; no amino-acid change (glutamine 2561 retained).
Molecular consequence: synonymous variant. On other transcripts: intron variant (1).
Genome position (GRCh38, 1-based): chr1:197,101,568, T>C on the plus strand (A>G on the coding strand, the complement: ASPM is on the minus strand). VCF-style: chr1-197101568-T-C. GRCh37 (hg19) VCF-style: chr1-197070698-T-C.
Other names: c.4066-5404A>G (NM_001206846.2).
Identifiers: ClinVar variation 1711234 (VCV001711234.30), dbSNP rs762955705, ClinGen allele CA1309356.